The following is an entry in ClinVar:

NM_001206979.2(NR1H4):c.732G>A (p.Arg244=)

Gene: NR1H4 (nuclear receptor subfamily 1 group H member 4; plus strand). Cytogenetic location: 12q23.1.
Variant type: single nucleotide variant.
Coding change: c.732G>A on transcript NM_001206979.2 (MANE Select); coding-DNA position 732, G replaced by A.
Protein change: p.Arg244=; no amino-acid change (arginine 244 retained).
Molecular consequence: synonymous variant. On other transcripts: non-coding transcript variant (1).
Genome position (GRCh38, 1-based): chr12:100,535,023, G>A. VCF-style: chr12-100535023-G-A. GRCh37 (hg19) VCF-style: chr12-100928801-G-A.
Other names: c.732G>A, p.Arg244= (NM_001206977.2); c.579G>A, p.Arg193= (NM_001206978.2); c.750G>A, p.Arg250= (NM_001206992.2); c.762G>A, p.Arg254= (NM_001206993.2); c.720G>A, p.Arg240= (NM_005123.4).
Identifiers: ClinVar variation 3357404 (VCV003357404.1).

ClinVar aggregate classification (germline): Uncertain significance (0 of 4 stars; one submission).

Conditions:
NR1H4-related disorder. Also called: NR1H4-related condition.

gnomAD v4.1: 1 of 1,614,154 alleles (0.000062%); highest among the groups gnomAD compares: Non-Finnish European, 0.000085%; no homozygotes.

Submission:

PreventionGenetics, part of Exact Sciences
Classification: Uncertain significance for NR1H4-related condition. Last evaluated: 2024-04-13. Review status: no assertion criteria provided. Collection method: clinical testing. Allele origin: germline.
Comment: The NR1H4 c.720G>A variant is not predicted to result in an amino acid change (p.=). To our knowledge, this variant has not been reported in the literature or in a large population database, indicating this variant is rare. This variant is predicted to alter splicing based on available splicing prediction software (SpliceAI, Jaganathan et al. 2019. PubMed ID: 30661751). However, the use of computer prediction softwares is not equivalent to functional evidence. At this time, the clinical significance of this variant is uncertain due to the absence of conclusive functional and genetic evidence.